The following is an entry in ClinVar:

ClinVar aggregate classification (germline): Likely benign. Review status: criteria provided, multiple submitters, no conflicts (2 of 4 stars). 2 submissions from 2 submitters: Likely benign (2). Last evaluated 2018-06-19.

Allele frequency attached by ClinVar (database versions not stated): gnomAD exomes 0.00075; 1000 Genomes Project 0.00359; gnomAD 0.00439 and 0.00479; 1000 Genomes Project 30x 0.00484; TOPMed 0.00513.
gnomAD v4.1: 1,463 of 1,138,650 alleles (0.13%); highest among the groups gnomAD compares: African/African-American, 1.4%; 6 homozygotes.

Submissions (2):

GeneDx
Classification: Likely benign. Last evaluated: 2018-06-19. Review status: criteria provided, single submitter. Criteria: GeneDx Variant Classification (06012015). Collection method: clinical testing. Allele origin: germline. Affected: yes.
Comment: This variant is considered likely benign or benign based on one or more of the following criteria: it is a conservative change, it occurs at a poorly conserved position in the protein, it is predicted to be benign by multiple in silico algorithms, and/or has population frequency not consistent with disease.

Breakthrough Genomics
Classification: Likely benign. Review status: criteria provided, single submitter. Criteria: ACMG Guidelines, 2015. Collection method: not provided. Allele origin: germline. Inheritance: Autosomal recessive inheritance. Affected: yes.

NM_017882.3(CLN6):c.199-70G>A

Gene: CLN6 (CLN6 transmembrane ER protein; minus strand). Cytogenetic location: 15q23.
Variant type: single nucleotide variant.
Coding change: c.199-70G>A on transcript NM_017882.3 (MANE Select); 70 bases into the intron before coding-DNA position 199, G replaced by A.
Molecular consequence: intron variant.
Genome position (GRCh38, 1-based): chr15:68,214,458, C>T on the plus strand (G>A on the coding strand, the complement: CLN6 is on the minus strand). VCF-style: chr15-68214458-C-T. GRCh37 (hg19) VCF-style: chr15-68506796-C-T.
Identifiers: ClinVar variation 673498 (VCV000673498.2), dbSNP rs114850355, ClinGen allele CA272387796.
Genomic context (GRCh38, chr15:68,214,458, plus strand): 5'-AAATGGAAGAATGGGCTCACCTGGGCACAGCCCCACGCGGCCCTCGGGCCTCAAGGGAGT[C>T]TGCCCCTAATGCCGCCCACCCCAACTCCTTTCACCCCCCACCCCATCATGTACACTTAAT-3'